The following is an entry in ClinVar:

NM_001278512.2(AP3B2):c.1759G>A (p.Val587Ile)

Genes: AP3B2 (adaptor related protein complex 3 subunit beta 2; minus strand), CPEB1-AS1 (CPEB1 antisense RNA 1; plus strand). Cytogenetic location: 15q25.2.
Variant type: single nucleotide variant.
Coding change: c.1759G>A on transcript NM_001278512.2 (MANE Select); coding-DNA position 1759, G replaced by A.
Protein change: p.Val587Ile; replaces valine 587 with isoleucine.
Molecular consequence: missense variant.
Genome position (GRCh38, 1-based): chr15:82,666,840, C>T on the plus strand (G>A on the coding strand, the complement: AP3B2 is on the minus strand). VCF-style: chr15-82666840-C-T. GRCh37 (hg19) VCF-style: chr15-83335592-C-T.
Other names: c.1663G>A, p.Val555Ile (NM_001278511.2); c.1759G>A, p.Val587Ile (NM_004644.5); short protein forms V555I, V587I.
Identifiers: ClinVar variation 1907431 (VCV001907431.5), dbSNP rs186700451, ClinGen allele CA7700119.

ClinVar aggregate classification (germline): Uncertain significance (1 of 4 stars; one submission).

Allele frequency attached by ClinVar (database versions not stated): TOPMed below 0.00001; ExAC 0.00001; gnomAD 0.00001; gnomAD exomes 0.00002.
gnomAD v4.1: 25 of 1,613,856 alleles (0.0015%); highest among the groups gnomAD compares: South Asian, 0.0099%; 1 homozygote.

Submission:

Labcorp Genetics (formerly Invitae), Labcorp
Classification: Uncertain significance. Last evaluated: 2022-07-20. Review status: criteria provided, single submitter. Criteria: Invitae Variant Classification Sherloc (09022015). Collection method: clinical testing. Allele origin: germline.
Comment: This sequence change replaces valine, which is neutral and non-polar, with isoleucine, which is neutral and non-polar, at codon 587 of the AP3B2 protein (p.Val587Ile). This variant is present in population databases (rs186700451, gnomAD 0.01%), including at least one homozygous and/or hemizygous individual. This variant has not been reported in the literature in individuals affected with AP3B2-related conditions. Algorithms developed to predict the effect of missense changes on protein structure and function (SIFT, PolyPhen-2, Align-GVGD) all suggest that this variant is likely to be tolerated. In summary, the available evidence is currently insufficient to determine the role of this variant in disease. Therefore, it has been classified as a Variant of Uncertain Significance.